The following is an entry in ClinVar:

ClinVar aggregate classification (germline): Uncertain significance (1 of 4 stars; one submission).

Conditions:
Asphyxiating thoracic dystrophy 5 (SRTD5). Also called: SHORT-RIB THORACIC DYSPLASIA 5 WITH OR WITHOUT POLYDACTYLY; SHORT-RIB THORACIC DYSPLASIA 5 WITHOUT POLYDACTYLY. Identifiers: Orphanet 474, MedGen C3280598, MONDO:0013717, OMIM 614376.
Senior-Loken syndrome 8 (SLSN8). Identifiers: Orphanet 3156, MedGen C4225376, MONDO:0014579, OMIM 616307.

Allele frequency attached by ClinVar (database versions not stated): ExAC 0.00001; gnomAD exomes 0.00001.

Submission:

Labcorp Genetics (formerly Invitae), Labcorp
Classification: Uncertain significance for Senior-Loken syndrome 8; Asphyxiating thoracic dystrophy 5. Last evaluated: 2020-08-25. Review status: criteria provided, single submitter. Criteria: Invitae Variant Classification Sherloc (09022015). Collection method: clinical testing. Allele origin: germline.
Comment: In summary, the available evidence is currently insufficient to determine the role of this variant in disease. Therefore, it has been classified as a Variant of Uncertain Significance. Algorithms developed to predict the effect of missense changes on protein structure and function (SIFT, PolyPhen-2, Align-GVGD) all suggest that this variant is likely to be tolerated, but these predictions have not been confirmed by published functional studies and their clinical significance is uncertain. This variant has not been reported in the literature in individuals with WDR19-related conditions. This variant is present in population databases (rs761275061, ExAC 0.002%). This sequence change replaces serine with asparagine at codon 90 of the WDR19 protein (p.Ser90Asn). The serine residue is highly conserved and there is a small physicochemical difference between serine and asparagine.

NM_025132.4(WDR19):c.269G>A (p.Ser90Asn)

Gene: WDR19 (WD repeat domain 19; plus strand). Cytogenetic location: 4p14.
Variant type: single nucleotide variant.
Coding change: c.269G>A on transcript NM_025132.4 (MANE Select); coding-DNA position 269, G replaced by A.
Protein change: p.Ser90Asn; replaces serine 90 with asparagine.
Molecular consequence: missense variant. On other transcripts: 5 prime UTR variant (1).
Genome position (GRCh38, 1-based): chr4:39,189,760, G>A. VCF-style: chr4-39189760-G-A. GRCh37 (hg19) VCF-style: chr4-39191380-G-A.
Other names: c.-96G>A (NM_001317924.2); short protein forms S90N.
Identifiers: ClinVar variation 1007526 (VCV001007526.7), dbSNP rs761275061, ClinGen allele CA2891576.
Genomic context (GRCh38, chr4:39,189,760, plus strand): 5'-CAGTGATTGCTGAGAAATCTAGCTGCATTTATCTTTGGGATGCCAACACAAATAAGACCA[G>A]CCAGTTAGACAATGGCATGAGGTAAGATAACTTTTTAATTTTTTAAAGCTTCACTTAGAA-3'
Protein context (NP_079408.3, residues 80-100): YLWDANTNKT[Ser90Asn]QLDNGMRDQM